The following is an entry in ClinVar:

ClinVar aggregate classification (germline): Uncertain significance. Review status: criteria provided, multiple submitters, no conflicts (2 of 4 stars). 2 submissions from 2 submitters: Uncertain significance (2). Last evaluated 2025-04-05.

Conditions:
Inborn genetic diseases. Identifiers: MedGen C0950123, MeSH D030342.

Allele frequency attached by ClinVar (database versions not stated): ExAC 0.00001.
gnomAD v4.1: 7 of 1,614,146 alleles (0.00043%); highest among the groups gnomAD compares: Non-Finnish European, 0.00051%; no homozygotes.

Submissions (2):

Ambry Genetics
Classification: Uncertain significance for Inborn genetic diseases. Last evaluated: 2025-04-05. Review status: criteria provided, single submitter. Criteria: Ambry Variant Classification Scheme 2023. Collection method: clinical testing. Allele origin: germline.
Comment: The p.N1296K variant (also known as c.3888T>A), located in coding exon 13 of the ASXL1 gene, results from a T to A substitution at nucleotide position 3888. The asparagine at codon 1296 is replaced by lysine, an amino acid with similar properties. This amino acid position is conserved. In addition, this alteration is predicted to be tolerated by in silico analysis. Based on the available evidence, the clinical significance of this variant remains unclear.

Labcorp Genetics (formerly Invitae), Labcorp
Classification: Uncertain significance. Last evaluated: 2024-01-13. Review status: criteria provided, single submitter. Criteria: Invitae Variant Classification Sherloc (09022015). Collection method: clinical testing. Allele origin: germline.
Comment: This sequence change replaces asparagine, which is neutral and polar, with lysine, which is basic and polar, at codon 1296 of the ASXL1 protein (p.Asn1296Lys). This variant is present in population databases (rs753093028, gnomAD 0.0009%). This variant has not been reported in the literature in individuals affected with ASXL1-related conditions. An algorithm developed to predict the effect of missense changes on protein structure and function (PolyPhen-2) suggests that this variant is likely to be tolerated. In summary, the available evidence is currently insufficient to determine the role of this variant in disease. Therefore, it has been classified as a Variant of Uncertain Significance.

NM_015338.6(ASXL1):c.3888T>A (p.Asn1296Lys)

Gene: ASXL1 (ASXL transcriptional regulator 1; plus strand). Cytogenetic location: 20q11.21.
Variant type: single nucleotide variant.
Coding change: c.3888T>A on transcript NM_015338.6 (MANE Select); coding-DNA position 3888, T replaced by A.
Protein change: p.Asn1296Lys; replaces asparagine 1296 with lysine.
Molecular consequence: missense variant.
Genome position (GRCh38, 1-based): chr20:32,436,600, T>A. VCF-style: chr20-32436600-T-A. GRCh37 (hg19) VCF-style: chr20-31024403-T-A.
Other names: c.3705T>A, p.Asn1235Lys (NM_001363734.1); short protein forms N1235K, N1296K.
Identifiers: ClinVar variation 2794032 (VCV002794032.4), dbSNP rs753093028, ClinGen allele CA9808920.